The following is an entry in ClinVar:

ClinVar aggregate classification (germline): Uncertain significance (1 of 4 stars; one submission).

Conditions:
Hereditary cancer-predisposing syndrome. Also called: Hereditary neoplastic syndrome; Neoplastic Syndromes, Hereditary; Tumor predisposition; Hereditary Cancer Syndrome. Identifiers: Orphanet 140162, MedGen C0027672, MeSH D009386, MONDO:0015356.

Submission:

Ambry Genetics
Classification: Uncertain significance for Hereditary cancer-predisposing syndrome. Last evaluated: 2025-08-29. Review status: criteria provided, single submitter. Criteria: Ambry Variant Classification Scheme 2023. Collection method: clinical testing. Allele origin: germline.
Comment: The p.A388D variant (also known as c.1163C>A), located in coding exon 12 of the NF2 gene, results from a C to A substitution at nucleotide position 1163. The alanine at codon 388 is replaced by aspartic acid, an amino acid with dissimilar properties. This amino acid position is conserved. In addition, this alteration is predicted to be deleterious by in silico analysis. Based on the available evidence, the clinical significance of this variant remains unclear.

NM_000268.4(NF2):c.1163C>A (p.Ala388Asp)

Gene: NF2 (NF2, moesin-ezrin-radixin like (MERLIN) tumor suppressor; plus strand). Cytogenetic location: 22q12.2.
Variant type: single nucleotide variant.
Coding change: c.1163C>A on transcript NM_000268.4 (MANE Select); coding-DNA position 1163, C replaced by A.
Protein change: p.Ala388Asp; replaces alanine 388 with aspartic acid.
Molecular consequence: missense variant. On other transcripts: intron variant (1).
Genome position (GRCh38, 1-based): chr22:29,673,309, C>A. VCF-style: chr22-29673309-C-A. GRCh37 (hg19) VCF-style: chr22-30069298-C-A.
Other names: c.1049C>A, p.Ala350Asp (NM_001407053.1, NM_001407056.1); c.1040C>A, p.Ala347Asp (NM_001407054.1, NM_001407058.1, NM_181829.3); c.1037C>A, p.Ala346Asp (NM_001407055.1, NM_181828.3); c.1028C>A, p.Ala343Asp (NM_001407057.1, NM_001407059.1); c.1163C>A, p.Ala388Asp (NM_001407060.1, NM_001407066.1, NM_016418.5 and 2 more transcripts); c.905C>A, p.Ala302Asp (NM_001407062.1); c.914C>A, p.Ala305Asp (NM_001407063.1, NM_001407064.1, NM_181830.3 and 1 more transcripts); c.629C>A, p.Ala210Asp (NM_001407065.1); and 2 more; short protein forms A302D, A210D, A388D, A311D, A343D, A346D, A347D, A350D.
Identifiers: ClinVar variation 4119224 (VCV004119224.1).
Genomic context (GRCh38, chr22:29,673,309, plus strand): 5'-AAGAGCACTGTGCCCTCCAGATGCGGTCTGAGGAGACAGCTGACCTGTTGGCTGAAAAGG[C>A]CCAGATCACCGAGGAGGAGGCAAAACTTCTGGCCCAGAAGGCCGCAGAGGCTGAGCAGGA-3'
Protein context (NP_000259.1, residues 378-398): EETADLLAEK[Ala388Asp]QITEEEAKLL